The following is an entry in ClinVar:

ClinVar aggregate classification (germline): Uncertain significance (1 of 4 stars; one submission).

Conditions:
Curry-Hall syndrome (WAD). Also called: WEYERS ACRODENTAL DYSOSTOSIS. Identifiers: Orphanet 952, MedGen C0457013, MONDO:0008673, OMIM 193530.
Ellis-van Creveld syndrome (EVC). Also called: EVC-Related Ellis-van Creveld Syndrome; EVC2-Related Ellis-van Creveld Syndrome; MESOECTODERMAL DYSPLASIA; Chondroectodermal dysplasia. Identifiers: Orphanet 289, MedGen C0013903, MONDO:0009162, OMIM 225500.

gnomAD v4.1: 44 of 1,613,956 alleles (0.0027%); highest among the groups gnomAD compares: East Asian, 0.031%; no homozygotes.

Submission:

Labcorp Genetics (formerly Invitae), Labcorp
Classification: Uncertain significance for Curry-Hall syndrome; Ellis-van Creveld syndrome. Last evaluated: 2025-06-15. Review status: criteria provided, single submitter. Criteria: Invitae Variant Classification Sherloc (09022015). Collection method: clinical testing. Allele origin: germline.
Comment: This sequence change replaces arginine, which is basic and polar, with glutamine, which is neutral and polar, at codon 335 of the EVC2 protein (p.Arg335Gln). This variant is present in population databases (rs778713498, gnomAD 0.03%). This variant has not been reported in the literature in individuals affected with EVC2-related conditions. ClinVar contains an entry for this variant (Variation ID: 3752284). An algorithm developed to predict the effect of missense changes on protein structure and function outputs the following: PolyPhen-2: "Benign". The glutamine amino acid residue is found in multiple mammalian species, which suggests that this missense change does not adversely affect protein function. In summary, the available evidence is currently insufficient to determine the role of this variant in disease. Therefore, it has been classified as a Variant of Uncertain Significance.

NM_147127.5(EVC2):c.1004G>A (p.Arg335Gln)

Genes: EVC2 (EvC ciliary complex subunit 2; minus strand), LOC126806962 (BRD4-independent group 4 enhancer GRCh37_chr4:5666069-5667268; plus strand). Cytogenetic location: 4p16.2.
Variant type: single nucleotide variant.
Coding change: c.1004G>A on transcript NM_147127.5 (MANE Select); coding-DNA position 1004, G replaced by A.
Protein change: p.Arg335Gln; replaces arginine 335 with glutamine.
Molecular consequence: missense variant.
Genome position (GRCh38, 1-based): chr4:5,665,516, C>T on the plus strand (G>A on the coding strand, the complement: EVC2 is on the minus strand). VCF-style: chr4-5665516-C-T. GRCh37 (hg19) VCF-style: chr4-5667243-C-T.
Other names: c.764G>A, p.Arg255Gln (NM_001166136.2); short protein forms R255Q, R335Q.
Identifiers: ClinVar variation 3752284 (VCV003752284.2).